The following is an entry in ClinVar:

NM_024339.5(THOC6):c.824G>A (p.Gly275Asp)

Gene: THOC6 (THO complex subunit 6; plus strand). Cytogenetic location: 16p13.3.
Variant type: single nucleotide variant.
Coding change: c.824G>A on transcript NM_024339.5 (MANE Select); coding-DNA position 824, G replaced by A.
Protein change: p.Gly275Asp; replaces glycine 275 with aspartic acid.
Molecular consequence: missense variant. On other transcripts: intron variant (1).
Genome position (GRCh38, 1-based): chr16:3,027,379, G>A. VCF-style: chr16-3027379-G-A. GRCh37 (hg19) VCF-style: chr16-3077380-G-A.
Other names: c.752G>A, p.Gly251Asp (NM_001347703.2); c.824G>A, p.Gly275Asp (NM_001347704.2); c.810+99G>A (NM_001142350.3); c.824G>A (NM_024339.4); short protein forms G275D, G251D.
Identifiers: ClinVar variation 521349 (VCV000521349.55), dbSNP rs200426926, ClinGen allele CA7855194.

ClinVar aggregate classification (germline): Pathogenic/Likely pathogenic. Review status: criteria provided, multiple submitters, no conflicts (2 of 4 stars). 13 submissions from 12 submitters: Pathogenic (5); Likely pathogenic (7). 1 of the submissions does not count toward it. Last evaluated 2026-09-02.

Conditions:
Intellectual disability. Also called: Intellectual developmental disorder; Intellectual functioning disability; intellectual disabilities. Identifiers: MedGen C3714756, MeSH D008607, MONDO:0001071, HP:0001249.
Dystonia, early-onset, and/or spastic paraplegia. Identifiers: MedGen C5562051, MONDO:0859215, OMIM 619681.
Inborn genetic diseases. Identifiers: MedGen C0950123, MeSH D030342.
THOC6-related developmental delay-microcephaly-facial dysmorphism syndrome. Also called: Beaulieu-Boycott-Innes syndrome; THOC6 Intellectual Disability Syndrome; Microcephaly, mental retardation, and distinctive facies, with cardiac and genitourinary malformations. Identifiers: Orphanet 363444, MedGen C3150939, MONDO:0013362, OMIM 613680.
Fetal anomalies with a likely genetic cause.

Allele frequency attached by ClinVar (database versions not stated): 1000 Genomes Project 30x 0.00016; TOPMed 0.00016; 1000 Genomes Project 0.00020; gnomAD 0.00020; ESP Exome Variant Server 0.00031.

Submissions (13):

Genetics Laboratory, Great Ormond Street Hospital NHS Foundation Trust, North Thames Genomic Laboratory Hub
Classification: Likely pathogenic for Fetal anomalies with a likely genetic cause. Last evaluated: 2026-09-02. Review status: criteria provided, single submitter. Criteria: ACGS Best Practice Guidelines for Variant Classification in Rare Disease 2024 v1.2. Collection method: clinical testing. Allele origin: germline. Affected: yes.
Comment: PM2_moderate, PS3_supporting, PM3_strong

Variantyx, Inc.
Classification: Likely pathogenic for THOC6-related developmental delay-microcephaly-facial dysmorphism syndrome. Last evaluated: 2025-03-25. Review status: criteria provided, single submitter. Criteria: Variantyx Assertion Criteria 2022. Collection method: clinical testing. Allele origin: maternal. Inheritance: Autosomal recessive inheritance.
Comment: This is a nonsynonymous variant in the THOC6 gene (OMIM: 615403). Pathogenic variants in this gene have been associated with autosomal recessive Beaulieu-Boycott-Innes syndrome. This variant has been reported in the homozygous or compound heterozygous state in at least 2 unrelated affected individuals (PMID: 27295358, 30476144) (PM3). This variant has been observed to segregate with disease in at least 3 individuals from 2 families (PMID: 31421288, 31216405) (PP1). Functional studies have shown that this variant alters THOC6 protein function (PMID: 30476144) (PS3). This variant has a 0.0456% maximum allele frequency in non-founder control populations (PM2). Computational algorithms produce conflicting evidence regarding the predicted functional impact of this variant (REVEL score: 0.371). Based on the current evidence, this variant is classified as likely pathogenic for autosomal recessive Beaulieu-Boycott-Innes syndrome.

Victorian Clinical Genetics Services, Murdoch Childrens Research Institute
Classification: Likely pathogenic for THOC6-related developmental delay-microcephaly-facial dysmorphism syndrome. Last evaluated: 2023-07-17. Review status: criteria provided, single submitter. Criteria: ACMG Guidelines, 2015. Collection method: clinical testing. Allele origin: germline. Inheritance: Autosomal recessive inheritance. Affected: yes.
Comment: Based on the classification scheme VCGS_Germline_v1.3.4, this variant is classified as Likely Pathogenic. Following criteria are met: 0102 - Loss of function is a known mechanism of disease in this gene and is associated with Beaulieu-Boycott-Innes syndrome (MIM#613680). (I) 0106 - This gene is associated with autosomal recessive disease. (I) 0200 - Variant is predicted to result in a missense amino acid change from glycine to aspartic acid. (I) 0251 - This variant is heterozygous. (I) 0304 - Variant is present in gnomAD (v2) <0.01 for a recessive condition (49 heterozygotes, 0 homozygotes). (SP) 0309 - An alternative amino acid change at the same position has been observed in gnomAD (v2) (1 heterozygote, 0 homozygotes). (I) 0502 - Missense variant with conflicting in silico predictions and uninformative conservation. (I) 0600 - Variant is located in the annotated WD6 repeat (PMID: 30476144). (I) 0705 - No comparable missense variants have previous evidence for pathogenicity. (I) 0801 - This variant has strong previous evidence of pathogenicity in unrelated individuals. This variant has been previously reported as likely pathogenic, a VUS and pathogenic (ClinVar, LOVD, Decipher). It has also been reported as part of a haplotype in multiple homozygous or compound heterozygous individuals with intellectual disability (PMID: 30476144, 31421288, 27295358, 35426486, 36900003). (SP) 1002 - This variant has moderate functional evidence supporting abnormal protein function. Functional studies show that this variant causes impaired THOC1/5 interactions (PMID: 30476144). (SP) 1208 - Inheritance information for this variant is not currently available in this individual. (I) Legend: (SP) - Supporting pathogenic, (I) - Information, (SB) - Supporting benign

Neuberg Centre For Genomic Medicine, NCGM
Classification: Pathogenic for THOC6-related developmental delay-microcephaly-facial dysmorphism syndrome. Last evaluated: 2023-02-14. Review status: criteria provided, single submitter. Criteria: ACMG Guidelines, 2015. Collection method: clinical testing. Allele origin: germline. Inheritance: Autosomal recessive inheritance. Affected: yes.
Comment: The missense c.824G>A(p.Gly275Asp) variant in THOC6 has been reported in homozygous state in multiple individuals affected with Beaulieu–Boycott–Innes syndrome (Mattioli F, et. al., 2019; Gupta N, et. al., 2020). Functional studies show that this variant causes abnormal protein localization (Mattioli F, et. al., 2019). The variant is reported with an allele frequency of 0.02% in the gnomAD exomes database and is novel (not in any individuals) in 1000 Genomes database. This variant has been reported to the ClinVar database as Likely pathogenic/ Pathogenic (multiple submission). The amino acid change p.Gly275Asp in THOC6 is predicted as conserved by GERP++ and PhyloP across 100 vertebrates. The amino acid Gly at position 275 is changed to a Asp changing protein sequence and it might alter its composition and physico-chemical properties. For these reasons, this variant has been classified as Pathogenic.

Institute of Human Genetics Munich, TUM University Hospital
Classification: Pathogenic for THOC6-related developmental delay-microcephaly-facial dysmorphism syndrome. Last evaluated: 2022-10-21. Review status: criteria provided, single submitter. Criteria: Classification criteria August 2017. Collection method: clinical testing. Allele origin: inherited. Inheritance: Autosomal recessive inheritance. Affected: yes. Observed: 1 variant allele.

CeGaT Center for Human Genetics Tuebingen
Classification: Pathogenic. Last evaluated: 2021-11-01. Review status: criteria provided, single submitter. Criteria: CeGaT Center For Human Genetics Tuebingen Variant Classification Criteria Version 2. Collection method: clinical testing. Allele origin: germline. Affected: yes. Observed: 2 variant alleles.

Ambry Genetics
Classification: Pathogenic for Inborn genetic diseases. Last evaluated: 2021-02-22. Review status: criteria provided, single submitter. Criteria: Ambry Variant Classification Scheme 2023. Collection method: clinical testing. Allele origin: germline.
Comment: The c.824G>A (p.G275D) alteration is located in coding exon 12 of the THOC6 gene. This alteration results from a G to A substitution at nucleotide position 824, causing the glycine (G) at amino acid position 275 to be replaced by an aspartic acid (D). Based on data from the Genome Aggregation Database (gnomAD) database, the THOC6 c.824G>A alteration was observed in 0.02% (49/281,212) of total alleles studied, with a frequency of 0.03% (36/128,392) in the European (non-Finnish) subpopulation. The c.298T>A (p.W100R), c.700G>C (p.V234L), and c.824G>A (p.G275D) alterations make up a known haplotype which was previously reported homozygous or compound heterozygous with another alteration in THOC1 in multiple patients with Beaulieu&ndash;Boycott&ndash;Innes syndrome (Casey, 2016; Mattioli, 2019; Gupta, 2020). The patients were reported to have intellectual disability, varying dysmorphic features, and other congenital anomalies including cardiac, genitourinary, renal, and skeletal malformations. The p.G275 amino acid is conserved in available vertebrate species. The p.G275D amino acid is located in a separate domain than the domains with the p.W100R and p.V234L amino acids and together may affect the functionality of the larger WD40 domain. Functional expression assays demonstrated that the c.(298T>A; 700G>C; 824G>C) haplotype in THOC6 alters THOC6 physiological nuclear localization and its interaction with other members of the THO complex, THOC1 and THOC5 and that the pathogenicity of the haplotype results from a combined effect of at least two of the three missense changes (Mattioli, 2019). The in silico prediction for the p.G275D alteration is inconclusive. Based on the available evidence, this alteration is classified as pathogenic.

GeneDx
Classification: Likely pathogenic. Last evaluated: 2020-11-09. Review status: criteria provided, single submitter. Criteria: GeneDx Variant Classification Process June 2021. Collection method: clinical testing. Allele origin: germline. Affected: yes.
Comment: Functional studies of the p.[W100R; G275D; V234L] haplotype suggest a damaging effect with abnormal nuclear localization and decreased interaction with protein partners from the THO complex, and the G275D variant on its own was also suggested to decrease interaction with protein partners (Mattioli et al., 2019); In silico analysis supports that this missense variant has a deleterious effect on protein structure/function; This variant is associated with the following publications: (PMID: 31216405, 31421288, 30476144, 27295358, 26739162, 20503307, 23621916, 27102954, 15998806, 19059247, 11060033)

Cambridge Genomics Laboratory, East Genomic Laboratory Hub, NHS Genomic Medicine Service
Classification: Likely pathogenic for Intellectual disability. Last evaluated: 2020-09-22. Review status: criteria provided, single submitter. Criteria: ACGS Best Practice Guidelines for Variant Classification in Rare Disease 2020. Collection method: clinical testing. Allele origin: germline. Affected: yes. Observed: 1 variant allele.

Medgenome Labs Ltd
Classification: Pathogenic for Beaulieu-Boycott-Innes syndrome. Last evaluated: 2019-02-02. Review status: criteria provided, single submitter. Criteria: ACMG Guidelines, 2015. Collection method: research. Allele origin: germline. Inheritance: Autosomal recessive inheritance. Affected: yes. Observed: 4 variant alleles, 2 heterozygotes, 2 homozygotes. Clinical features observed: Global developmental delay (HP:0001263), Abnormal facial shape (HP:0001999), Synophrys (HP:0000664), Deeply set eye (HP:0000490), Short palpebral fissure (HP:0012745), Epicanthus (HP:0000286), Plagiocephaly (HP:0001357), Cryptorchidism (HP:0000028), Congenital elevation of scapula (HP:0000912), Failure to thrive (HP:0001508).
Comment: The haplotype c.

Baylor Genetics
Classification: Likely pathogenic for THOC6-related developmental delay-microcephaly-facial dysmorphism syndrome. Last evaluated: 2018-10-12. Review status: criteria provided, single submitter. Criteria: ACMG Guidelines, 2015. Collection method: clinical testing. Allele origin: germline. Affected: yes.

Kasturba Medical College, Manipal, Kasturba Medical College, Manipal, Manipal Academy of Higher Education, Manipal, India
Classification: Likely pathogenic for THOC6-related developmental delay-microcephaly-facial dysmorphism syndrome. Review status: criteria provided, single submitter. Criteria: ACMG Guidelines, 2015. Collection method: research. Allele origin: inherited. Affected: yes.

Cambridge Genomics Laboratory, East Genomic Laboratory Hub, NHS Genomic Medicine Service
Classification: Uncertain significance for Dystonia, early-onset, and/or spastic paraplegia. Last evaluated: 2019-05-16. Review status: flagged submission. Criteria: ACGS Best Practice Guidelines for Variant Classification in Rare Disease 2020. Collection method: clinical testing. Allele origin: germline. Affected: yes. Observed: 1 variant allele. Not counted in ClinVar's aggregate classification.
ClinVar note: Reason: Outlier claim with insufficient supporting evidence

Literature cited by the submitters: PubMed 27295358 (cited by 4 submitters); PubMed 30476144 (cited by 3 submitters); PubMed 31421288 (cited by Variantyx, Inc. and Victorian Clinical Genetics Services, Murdoch Childrens Research Institute); PubMed 31216405 (cited by Variantyx, Inc.); PubMed 35426486 (cited by Victorian Clinical Genetics Services, Murdoch Childrens Research Institute); PubMed 36900003 (cited by Victorian Clinical Genetics Services, Murdoch Childrens Research Institute).